The following is an entry in ClinVar:

ClinVar aggregate classification (germline): Uncertain significance (1 of 4 stars; one submission).

Conditions:
Hereditary cancer-predisposing syndrome. Also called: Neoplastic Syndromes, Hereditary; Tumor predisposition; Hereditary Cancer Syndrome; Hereditary neoplastic syndrome. Identifiers: Orphanet 140162, MedGen C0027672, MeSH D009386, MONDO:0015356.

Submission:

Ambry Genetics
Classification: Uncertain significance for Hereditary cancer-predisposing syndrome. Last evaluated: 2025-09-13. Review status: criteria provided, single submitter. Criteria: Ambry Variant Classification Scheme 2023. Collection method: clinical testing. Allele origin: germline.
Comment: The p.L577P variant (also known as c.1730T>C), located in coding exon 8 of the BARD1 gene, results from a T to C substitution at nucleotide position 1730. The leucine at codon 577 is replaced by proline, an amino acid with similar properties. This amino acid position is conserved. In addition, this alteration is predicted to be deleterious by in silico analysis. Based on the available evidence, the clinical significance of this variant remains unclear.

NM_000465.4(BARD1):c.1730T>C (p.Leu577Pro)

Gene: BARD1 (BRCA1 associated RING domain 1; minus strand). Cytogenetic location: 2q35.
Variant type: single nucleotide variant.
Coding change: c.1730T>C on transcript NM_000465.4 (MANE Select); coding-DNA position 1730, T replaced by C.
Protein change: p.Leu577Pro; replaces leucine 577 with proline.
Molecular consequence: missense variant. On other transcripts: non-coding transcript variant (3), intron variant (1).
Genome position (GRCh38, 1-based): chr2:214,745,802, A>G on the plus strand (T>C on the coding strand, the complement: BARD1 is on the minus strand). VCF-style: chr2-214745802-A-G. GRCh37 (hg19) VCF-style: chr2-215610526-A-G.
Other names: c.1673T>C, p.Leu558Pro (NM_001282543.2); c.377T>C, p.Leu126Pro (NM_001282545.2); c.320T>C, p.Leu107Pro (NM_001282548.2); c.365-15294T>C (NM_001282549.2); short protein forms L107P, L126P, L558P, L577P.
Identifiers: ClinVar variation 4196429 (VCV004196429.1).
Genomic context (GRCh38, chr2:214,745,802, plus strand): 5'-TATTTTTTAGCCTTAAGAATTACTGCAAGCTCACTGAGCATTTTCTGTTGTTCTGAAGAC[A>G]GCCCACTGCCTATAAGTACAAGAGGTCCATCCCTACGCTGCCCAGTGTTCATCTGTTAAT-3'
Protein context (NP_000456.2, residues 567-587): DGPLVLIGSG[Leu577Pro]SSEQQKMLSE